The following is an entry in ClinVar:

ClinVar aggregate classification (germline): Pathogenic (1 of 4 stars; one submission).

Conditions:
Pheochromocytoma. Also called: MAX-Related Hereditary Paraganglioma-Pheochromocytoma Syndrome. Identifiers: Orphanet 29072, MedGen C0031511, MONDO:0008233, OMIM 171300, HP:0002666.
Pheochromocytoma/paraganglioma syndrome 4. Also called: PARAGANGLIOMA, FAMILIAL MALIGNANT; PARAGANGLIOMAS, HEREDITARY EXTRAADRENAL; PHEOCHROMOCYTOMA, FAMILIAL EXTRAADRENAL; SDHB-Related Hereditary Paraganglioma-Pheochromocytoma Syndrome (Paragangliomas 4); CAROTID BODY TUMORS AND MULTIPLE EXTRAADRENAL PHEOCHROMOCYTOMAS; SDHB-Related Hereditary Paraganglioma-Pheochromocytoma Syndrome. Identifiers: Orphanet 29072, MedGen C1861848, MONDO:0007273, OMIM 115310.
Gastrointestinal stromal tumor. Also called: Gastrointestinal stromal tumor, somatic; Gastrointestinal stroma tumor. Identifiers: Orphanet 44890, MedGen C0238198, MeSH D046152, MONDO:0011719, OMIM 606764, HP:0100723.

Submission:

Labcorp Genetics (formerly Invitae), Labcorp
Classification: Pathogenic for Gastrointestinal stromal tumor; Pheochromocytoma/paraganglioma syndrome 4; Pheochromocytoma. Last evaluated: 2022-10-25. Review status: criteria provided, single submitter. Criteria: Invitae Variant Classification Sherloc (09022015). Collection method: clinical testing. Allele origin: germline.
Comment: This variant is a gross deletion of the genomic region encompassing exon(s) 3 of the SDHB gene. This deletion is out-of-frame, and is expected to create a premature termination codon and result in an absent or disrupted protein product. Loss-of-function variants in SDHB are known to be pathogenic (PMID: 19454582, 19802898). A similar copy number variant has been observed in individual(s) with head and neck paraganglioma (PMID: 19351833). For these reasons, this variant has been classified as Pathogenic.

Literature cited by the submitters: PubMed 19454582; PubMed 19802898; PubMed 19351833.

NC_000001.11:g.(?_17033050)_(17033155_?)del

Gene: SDHB (succinate dehydrogenase complex iron sulfur subunit B; minus strand). Cytogenetic location: 1p36.13.
Variant type: Deletion.
Identifiers: ClinVar variation 583569 (VCV000583569.15).